The following is an entry in ClinVar:

NM_024420.3(PLA2G4A):c.1011C>T (p.Asp337=)

Gene: PLA2G4A (phospholipase A2 group IVA; plus strand). Cytogenetic location: 1q31.1.
Variant type: single nucleotide variant.
Coding change: c.1011C>T on transcript NM_024420.3 (MANE Select); coding-DNA position 1011, C replaced by T.
Protein change: p.Asp337=; no amino-acid change (aspartic acid 337 retained).
Molecular consequence: synonymous variant.
Genome position (GRCh38, 1-based): chr1:186,940,072, C>T. VCF-style: chr1-186940072-C-T. GRCh37 (hg19) VCF-style: chr1-186909204-C-T.
Other names: p.Asp337=; c.831C>T, p.Asp277= (NM_001311193.2).
Identifiers: ClinVar variation 743099 (VCV000743099.10), dbSNP rs142795349, ClinGen allele CA1300102.

ClinVar aggregate classification (germline): Benign/Likely benign. Review status: criteria provided, multiple submitters, no conflicts (2 of 4 stars). 3 submissions from 3 submitters: Benign (1); Likely benign (2). Last evaluated 2025-11-15.

Allele frequency attached by ClinVar (database versions not stated): gnomAD exomes 0.00009 and 0.00023; ExAC 0.00028; 1000 Genomes Project 0.00040; 1000 Genomes Project 30x 0.00047; gnomAD 0.00076 and 0.00086; TOPMed 0.00079; ESP Exome Variant Server 0.00115.
gnomAD v4.1: 243 of 1,594,338 alleles (0.015%); highest among the groups gnomAD compares: African/African-American, 0.26%; 2 homozygotes.

Submissions (3):

Labcorp Genetics (formerly Invitae), Labcorp
Classification: Benign. Last evaluated: 2025-11-15. Review status: criteria provided, single submitter. Criteria: Invitae Variant Classification Sherloc (09022015). Collection method: clinical testing. Allele origin: germline.

Mayo Clinic Laboratories, Mayo Clinic
Classification: Likely benign. Last evaluated: 2025-07-31. Review status: criteria provided, single submitter. Criteria: ACMG Guidelines, 2015. Collection method: clinical testing. Allele origin: germline. Observed: 1 variant allele.
Comment: BP4, BP7

Blueprint Genetics
Classification: Likely benign. Last evaluated: 2024-07-15. Review status: criteria provided, single submitter. Criteria: ACMG Guidelines, 2015. Collection method: clinical testing. Allele origin: germline.